The following is an entry in ClinVar:

ClinVar aggregate classification (germline): Benign. Review status: criteria provided, multiple submitters, no conflicts (2 of 4 stars). 4 submissions from 3 submitters: Benign (4). Last evaluated 2018-07-07.

Conditions:
DNA ligase IV deficiency. Identifiers: Orphanet 99812, MedGen C1847827, MONDO:0011686, OMIM 606593.
Severe combined immunodeficiency due to DCLRE1C deficiency (RS-SCID). Also called: SCID, AUTOSOMAL RECESSIVE, T CELL-NEGATIVE, B CELL-NEGATIVE, NK CELL-POSITIVE, WITH SENSITIVITY TO IONIZING RADIATION. Identifiers: Orphanet 275, MedGen C1865371, MONDO:0011225, OMIM 602450.

Allele frequency attached by ClinVar (database versions not stated): gnomAD 0.03272 and 0.03050; 1000 Genomes Project 30x 0.03467; 1000 Genomes Project 0.03534; TOPMed 0.03417.
gnomAD v4.1: 6,384 of 659,868 alleles (0.97%); highest among the groups gnomAD compares: African/African-American, 10%; 318 homozygotes.

Submissions (4):

GeneDx
Classification: Benign. Last evaluated: 2018-07-07. Review status: criteria provided, single submitter. Criteria: GeneDx Variant Classification Process June 2021. Collection method: clinical testing. Allele origin: germline. Affected: yes.

Illumina Laboratory Services, Illumina
Classification: Benign for DNA ligase IV deficiency. Last evaluated: 2018-01-13. Review status: criteria provided, single submitter. Criteria: ICSL Variant Classification Criteria 13 December 2019. Collection method: clinical testing. Allele origin: germline.
Comment: This variant was observed in the ICSL laboratory as part of a predisposition screen in an ostensibly healthy population. It had not been previously curated by ICSL or reported in the Human Gene Mutation Database (HGMD: prior to June 1st, 2018), and was therefore a candidate for classification through an automated scoring system. Utilizing variant allele frequency, disease prevalence and penetrance estimates, and inheritance mode, an automated score was calculated to assess if this variant is too frequent to cause the disease. Based on the score and internal cut-off values, a variant classified as benign is not then subjected to further curation. The score for this variant resulted in a classification of benign for this disease.

Illumina Laboratory Services, Illumina
Classification: Benign for Severe combined immunodeficiency due to DCLRE1C deficiency. Last evaluated: 2018-01-13. Review status: criteria provided, single submitter. Criteria: ICSL Variant Classification Criteria 13 December 2019. Collection method: clinical testing. Allele origin: germline.
Comment: the same text as in the submission from Illumina Laboratory Services, Illumina above.

Breakthrough Genomics
Classification: Benign. Review status: criteria provided, single submitter. Criteria: ACMG Guidelines, 2015. Collection method: not provided. Allele origin: germline. Inheritance: Autosomal recessive inheritance. Affected: yes.

NM_206937.2(LIG4):c.*131A>T

Gene: LIG4 (DNA ligase 4; minus strand). Cytogenetic location: 13q33.3.
Variant type: single nucleotide variant.
Coding change: c.*131A>T on transcript NM_206937.2 (MANE Select); 131 bases downstream of the stop codon, A replaced by T.
Molecular consequence: 3 prime UTR variant.
Genome position (GRCh38, 1-based): chr13:108,208,402, T>A on the plus strand (A>T on the coding strand, the complement: LIG4 is on the minus strand). VCF-style: chr13-108208402-T-A. GRCh37 (hg19) VCF-style: chr13-108860750-T-A.
Other names: c.*131A>T (NM_001098268.2, NM_001330595.2, NM_001352598.2 and 8 more transcripts).
Identifiers: ClinVar variation 310966 (VCV000310966.8), dbSNP rs3093768, ClinGen allele CA10642742.